The following is an entry in ClinVar:

ClinVar aggregate classification (germline): Pathogenic/Likely pathogenic. Review status: criteria provided, multiple submitters, no conflicts (2 of 4 stars). 2 submissions from 2 submitters: Pathogenic (1); Likely pathogenic (1). Last evaluated 2023-11-22.

Conditions:
Fanconi anemia (FA). Also called: Fanconi's anemia. Identifiers: Orphanet 84, MedGen C0015625, MeSH D005199, MONDO:0019391.
Fanconi anemia complementation group D2. Also called: FANCD2-Related Fanconi Anemia; FANCONI PANCYTOPENIA, TYPE 4; FANCONI ANEMIA, COMPLEMENTATION GROUP D. Identifiers: Orphanet 84, MedGen C3160738, MONDO:0009214, OMIM 227646.

Allele frequency attached by ClinVar (database versions not stated): ExAC 0.00002; gnomAD exomes 0.00001; ESP Exome Variant Server 0.00008.
gnomAD v4.1: 14 of 1,614,018 alleles (0.00087%); highest among the groups gnomAD compares: Non-Finnish European, 0.0011%; no homozygotes.

Submissions (2):

Baylor Genetics
Classification: Likely pathogenic for Fanconi anemia complementation group D2. Last evaluated: 2023-11-22. Review status: criteria provided, single submitter. Criteria: ACMG Guidelines, 2015. Collection method: clinical testing. Allele origin: unknown.

Labcorp Genetics (formerly Invitae), Labcorp
Classification: Pathogenic for Fanconi anemia. Last evaluated: 2023-03-14. Review status: criteria provided, single submitter. Criteria: Invitae Variant Classification Sherloc (09022015). Collection method: clinical testing. Allele origin: germline.
Comment: For these reasons, this variant has been classified as Pathogenic. ClinVar contains an entry for this variant (Variation ID: 1073865). This variant has not been reported in the literature in individuals affected with FANCD2-related conditions. This variant is present in population databases (rs148471911, gnomAD no frequency). This sequence change creates a premature translational stop signal (p.Gln1308*) in the FANCD2 gene. It is expected to result in an absent or disrupted protein product. Loss-of-function variants in FANCD2 are known to be pathogenic (PMID: 17436244).

Literature cited by the submitters: PubMed 17436244 (cited by Labcorp Genetics (formerly Invitae), Labcorp).

NM_001018115.3(FANCD2):c.3922C>T (p.Gln1308Ter)

Genes: FANCD2 (FA complementation group D2; plus strand), FANCD2OS (FANCD2 opposite strand; minus strand). Cytogenetic location: 3p25.3.
Variant type: single nucleotide variant.
Coding change: c.3922C>T on transcript NM_001018115.3 (MANE Select); coding-DNA position 3922, C replaced by T.
Protein change: p.Gln1308Ter; replaces glutamine 1308 with a stop codon.
Molecular consequence: nonsense. On other transcripts: intron variant (1).
Genome position (GRCh38, 1-based): chr3:10,094,322, C>T. VCF-style: chr3-10094322-C-T. GRCh37 (hg19) VCF-style: chr3-10136006-C-T.
Other names: c.3922C>T, p.Gln1308Ter (NM_001319984.2, NM_033084.6); c.3811C>T, p.Gln1271Ter (NM_001374253.1); c.3883C>T, p.Gln1295Ter (NM_001374254.1); c.*43+9876G>A (NM_173472.2); short protein forms Q1271*, Q1295*, Q1308*.
Identifiers: ClinVar variation 1073865 (VCV001073865.8), dbSNP rs148471911, ClinGen allele CA2250568.